The following is an entry in ClinVar:

NM_025114.4(CEP290):c.7077C>A (p.Ile2359=)

Gene: CEP290 (centrosomal protein 290; minus strand). Cytogenetic location: 12q21.32.
Variant type: single nucleotide variant.
Coding change: c.7077C>A on transcript NM_025114.4 (MANE Select); coding-DNA position 7077, C replaced by A.
Protein change: p.Ile2359=; no amino-acid change (isoleucine 2359 retained).
Molecular consequence: synonymous variant.
Genome position (GRCh38, 1-based): chr12:88,053,704, G>T on the plus strand (C>A on the coding strand, the complement: CEP290 is on the minus strand). VCF-style: chr12-88053704-G-T. GRCh37 (hg19) VCF-style: chr12-88447481-G-T.
Other names: c.7077C>A (NM_025114.3).
Identifiers: ClinVar variation 2921903 (VCV002921903.4), dbSNP rs1459281322, ClinGen allele CA481053651.

ClinVar aggregate classification (germline): Likely benign. Review status: criteria provided, multiple submitters, no conflicts (2 of 4 stars). 2 submissions from 2 submitters: Likely benign (2). Last evaluated 2024-10-24.

Conditions:
CEP290-related disorder. Also called: CEP290-related disorders; CEP290-related condition. Identifiers: MedGen CN239314.
Meckel-Gruber syndrome. Also called: Dysencephalia splachnocystica; DYSENCEPHALIA SPLANCHNOCYSTICA; GRUBER SYNDROME. Identifiers: Orphanet 564, MedGen C0265215, MONDO:0018921.
Joubert syndrome. Also called: Familial aplasia of the vermis; JOUBERT-BOLTSHAUSER SYNDROME. Identifiers: Orphanet 475, MedGen C5979921, MONDO:0018772.
Nephronophthisis. Also called: Juvenile Nephronophthisis. Identifiers: Orphanet 655, MedGen C0687120, MONDO:0019005, HP:0000090.

gnomAD v4.1: 1 of 1,552,190 alleles (0.000064%); highest among the groups gnomAD compares: Non-Finnish European, 0.000087%; no homozygotes.

Submissions (2):

PreventionGenetics, part of Exact Sciences
Classification: Likely benign for CEP290-related condition. Last evaluated: 2024-10-24. Review status: criteria provided, single submitter. Criteria: ACMG Guidelines, 2015. Collection method: clinical testing. Allele origin: germline.
Comment: This variant is classified as likely benign based on ACMG/AMP sequence variant interpretation guidelines (Richards et al. 2015 PMID: 25741868, with internal and published modifications).

Labcorp Genetics (formerly Invitae), Labcorp
Classification: Likely benign for Joubert syndrome; Meckel-Gruber syndrome; Nephronophthisis. Last evaluated: 2024-01-03. Review status: criteria provided, single submitter. Criteria: Invitae Variant Classification Sherloc (09022015). Collection method: clinical testing. Allele origin: germline.